The following is an entry in ClinVar:

NC_000002.11:g.(?_179552818)_(179563661_?)dup

Gene: TTN (titin; minus strand). Cytogenetic location: 2q31.2.
Variant type: Duplication.
Identifiers: ClinVar variation 3247287 (VCV003247287.1).

ClinVar aggregate classification (germline): Uncertain significance (1 of 4 stars; one submission).

Conditions:
Autosomal recessive limb-girdle muscular dystrophy type 2J (LGMDR10). Also called: Limb-girdle muscular dystrophy, type 2J; MUSCULAR DYSTROPHY, LIMB-GIRDLE, AUTOSOMAL RECESSIVE 10. Identifiers: Orphanet 140922, MedGen C1837342, MONDO:0012127, OMIM 608807.
Dilated cardiomyopathy 1G (CMD1G). Identifiers: Orphanet 154, MedGen C1858763, MONDO:0011400, OMIM 604145.

Submission:

Labcorp Genetics (formerly Invitae), Labcorp
Classification: Uncertain significance for Dilated cardiomyopathy 1G; Autosomal recessive limb-girdle muscular dystrophy type 2J. Last evaluated: 2023-07-19. Review status: criteria provided, single submitter. Criteria: Invitae Variant Classification Sherloc (09022015). Collection method: clinical testing. Allele origin: unknown.
Comment: This variant disrupts the I band of TTN (PMID: 25589632). Copy number variants in TTN have been previously reported in individuals affected with neuromuscular disorders (PMID: 29792937, 30238059), but the functional significance of this variant is currently unknown. In summary, the available evidence is currently insufficient to determine the role of this variant in disease. Therefore, it has been classified as a Variant of Uncertain Significance. Experimental studies and prediction algorithms are not available or were not evaluated, and the functional significance of this variant is currently unknown. This variant has not been reported in the literature in individuals affected with TTN-related conditions. This variant results in a copy number gain of the genomic region encompassing exon(s) 112-127 of the TTN gene. While the exact position of this variant cannot be determined from the data, sub-genic copy number gains are generally in tandem (PMID: 25640679). This variant is predicted to be in-frame, and likely preserves the integrity of the reading frame.

Literature cited by the submitters: PubMed 25589632; PubMed 29792937; PubMed 30238059; PubMed 25640679.